The following is an entry in ClinVar:

ClinVar aggregate classification (germline): Likely pathogenic (1 of 4 stars; one submission).

Conditions:
Argininosuccinate lyase deficiency. Also called: ARGININOSUCCINIC ACID LYASE DEFICIENCY; ASL DEFICIENCY; Argininosuccinic aciduria. Identifiers: Orphanet 23, MedGen C0268547, MONDO:0008815, OMIM 207900, HP:0025630.

Submission:

Labcorp Genetics (formerly Invitae), Labcorp
Classification: Likely pathogenic for Argininosuccinate lyase deficiency. Last evaluated: 2023-01-29. Review status: criteria provided, single submitter. Criteria: Invitae Variant Classification Sherloc (09022015). Collection method: clinical testing. Allele origin: germline.
Comment: In summary, the currently available evidence indicates that the variant is pathogenic, but additional data are needed to prove that conclusively. Therefore, this variant has been classified as Likely Pathogenic. Algorithms developed to predict the effect of sequence changes on RNA splicing suggest that this variant may disrupt the consensus splice site. This variant has not been reported in the literature in individuals affected with ASL-related conditions. This variant is not present in population databases (gnomAD no frequency). This sequence change affects an acceptor splice site in intron 9 of the ASL gene. It is expected to disrupt RNA splicing. Variants that disrupt the donor or acceptor splice site typically lead to a loss of protein function (PMID: 16199547), and loss-of-function variants in ASL are known to be pathogenic (PMID: 2263616, 24166829).

Literature cited by the submitters: PubMed 16199547; PubMed 2263616; PubMed 24166829.

NM_000048.4(ASL):c.656-2A>C

Gene: ASL (argininosuccinate lyase; plus strand). Cytogenetic location: 7q11.21.
Variant type: single nucleotide variant.
Coding change: c.656-2A>C on transcript NM_000048.4 (MANE Select); the canonical splice acceptor site of the intron before coding-DNA position 656, A replaced by C.
Molecular consequence: splice acceptor variant.
Genome position (GRCh38, 1-based): chr7:66,087,727, A>C. VCF-style: chr7-66087727-A-C. GRCh37 (hg19) VCF-style: chr7-65552714-A-C.
Other names: c.656-2A>C (NM_001024943.2, NM_001024944.2); c.578-2A>C (NM_001024946.2).
Identifiers: ClinVar variation 2832832 (VCV002832832.3), dbSNP rs2485013520, ClinGen allele CA367644358.